The following is an entry in ClinVar:

NM_000078.3(CETP):c.1022A>G (p.His341Arg)

Gene: CETP (cholesteryl ester transfer protein; plus strand). Cytogenetic location: 16q13.
Variant type: single nucleotide variant.
Coding change: c.1022A>G on transcript NM_000078.3 (MANE Select); coding-DNA position 1022, A replaced by G.
Protein change: p.His341Arg; replaces histidine 341 with arginine.
Molecular consequence: missense variant.
Genome position (GRCh38, 1-based): chr16:56,978,131, A>G. VCF-style: chr16-56978131-A-G. GRCh37 (hg19) VCF-style: chr16-57012043-A-G.
Other names: c.842A>G, p.His281Arg (NM_001286085.2); short protein forms H281R, H341R.
Identifiers: ClinVar variation 2577704 (VCV002577704.5), dbSNP rs762315471, ClinGen allele CA8071202.
Genomic context (GRCh38, chr16:56,978,131, plus strand): 5'-GGGACCCCTGTCTTCCACAGGTTGTCGGCGGCTTCCCCAGCCAGGCCCAAGTCACCGTCC[A>G]CTGCCTCAAGATGCCCAAGATCTCCTGCCAAAACAAGGGAGTCGTGGTCAATTCTTCAGT-3'
Protein context (NP_000069.2, residues 331-351): GFPSQAQVTV[His341Arg]CLKMPKISCQ

ClinVar aggregate classification (germline): Uncertain significance. Review status: criteria provided, multiple submitters, no conflicts (2 of 4 stars). 3 submissions from 3 submitters: Uncertain significance (3). Last evaluated 2025-11-24.

Allele frequency attached by ClinVar (database versions not stated): ExAC 0.00002; TOPMed 0.00006; gnomAD 0.00006; gnomAD exomes 0.00006.
gnomAD v4.1: 103 of 1,614,124 alleles (0.0064%); highest among the groups gnomAD compares: Non-Finnish European, 0.0081%; no homozygotes.

Submissions (3):

Ambry Genetics
Classification: Uncertain significance. Last evaluated: 2025-11-24. Review status: criteria provided, single submitter. Criteria: Ambry Variant Classification Scheme 2023. Collection method: clinical testing. Allele origin: germline.

Labcorp Genetics (formerly Invitae), Labcorp
Classification: Uncertain significance. Last evaluated: 2025-09-13. Review status: criteria provided, single submitter. Criteria: Invitae Variant Classification Sherloc (09022015). Collection method: clinical testing. Allele origin: germline.
Comment: This sequence change replaces histidine, which is basic and polar, with arginine, which is basic and polar, at codon 341 of the CETP protein (p.His341Arg). This variant is present in population databases (rs762315471, gnomAD 0.008%). This variant has not been reported in the literature in individuals affected with CETP-related conditions. ClinVar contains an entry for this variant (Variation ID: 2577704). Invitae Evidence Modeling of protein sequence and biophysical properties (such as structural, functional, and spatial information, amino acid conservation, physicochemical variation, residue mobility, and thermodynamic stability) indicates that this missense variant is not expected to disrupt CETP protein function with a negative predictive value of 80%. In summary, the available evidence is currently insufficient to determine the role of this variant in disease. Therefore, it has been classified as a Variant of Uncertain Significance.

GeneDx
Classification: Uncertain significance. Last evaluated: 2023-02-22. Review status: criteria provided, single submitter. Criteria: GeneDx Variant Classification Process June 2021. Collection method: clinical testing. Allele origin: germline. Affected: yes.
Comment: In silico analysis supports that this missense variant does not alter protein structure/function; Has not been previously published as pathogenic or benign to our knowledge